The following is an entry in ClinVar:

ClinVar aggregate classification (germline): Uncertain significance. Review status: criteria provided, multiple submitters, no conflicts (2 of 4 stars). 2 submissions from 2 submitters: Uncertain significance (2). Last evaluated 2026-06-26.

Conditions:
Primary ciliary dyskinesia 3. Identifiers: Orphanet 244, MedGen C1837618, MONDO:0012085, OMIM 608644.
Primary ciliary dyskinesia. Also called: Ciliary dyskinesia. Identifiers: Orphanet 244, MedGen C0008780, MONDO:0016575, HP:0012265.

Allele frequency attached by ClinVar (database versions not stated): gnomAD 0.00001.

Submissions (2):

Myriad Genetics, Inc.
Classification: Uncertain significance for Primary ciliary dyskinesia 3. Last evaluated: 2026-06-26. Review status: criteria provided, single submitter. Criteria: Myriad Autosomal Dominant, Autosomal Recessive and X-Linked Classification Criteria (2023). Collection method: clinical testing. Allele origin: unknown.
Comment: NM_001369.2(DNAH5):c.5632C>G(L1878V) is a missense variant classified as a variant of uncertain significance in the context of primary ciliary dyskinesia, DNAH5-related. L1878V has not been observed in cases with relevant disease. Relevant functional assessments of this variant are not available in the literature. L1878V has not been observed in referenced population frequency databases. In summary, there is insufficient evidence to classify NM_001369.2(DNAH5):c.5632C>G(L1878V) as pathogenic or benign. Please note: this variant was assessed in the context of healthy population screening.

Labcorp Genetics (formerly Invitae), Labcorp
Classification: Uncertain significance for Primary ciliary dyskinesia. Last evaluated: 2025-10-26. Review status: criteria provided, single submitter. Criteria: Invitae Variant Classification Sherloc (09022015). Collection method: clinical testing. Allele origin: germline.
Comment: This sequence change replaces leucine, which is neutral and non-polar, with valine, which is neutral and non-polar, at codon 1878 of the DNAH5 protein (p.Leu1878Val). This variant is not present in population databases (gnomAD no frequency). This variant has not been reported in the literature in individuals affected with DNAH5-related conditions. ClinVar contains an entry for this variant (Variation ID: 569908). Invitae Evidence Modeling of protein sequence and biophysical properties (such as structural, functional, and spatial information, amino acid conservation, physicochemical variation, residue mobility, and thermodynamic stability) indicates that this missense variant is not expected to disrupt DNAH5 protein function with a negative predictive value of 95%. In summary, the available evidence is currently insufficient to determine the role of this variant in disease. Therefore, it has been classified as a Variant of Uncertain Significance.

NM_001369.3(DNAH5):c.5632C>G (p.Leu1878Val)

Gene: DNAH5 (dynein axonemal heavy chain 5; minus strand). Cytogenetic location: 5p15.2.
Variant type: single nucleotide variant.
Coding change: c.5632C>G on transcript NM_001369.3 (MANE Select); coding-DNA position 5632, C replaced by G.
Protein change: p.Leu1878Val; replaces leucine 1878 with valine.
Molecular consequence: missense variant.
Genome position (GRCh38, 1-based): chr5:13,840,983, G>C on the plus strand (C>G on the coding strand, the complement: DNAH5 is on the minus strand). VCF-style: chr5-13840983-G-C. GRCh37 (hg19) VCF-style: chr5-13841092-G-C.
Other names: short protein forms L1878V.
Identifiers: ClinVar variation 569908 (VCV000569908.8), dbSNP rs1561401862, ClinGen allele CA359209310.